The following is an entry in ClinVar:

ClinVar aggregate classification (germline): Likely benign (1 of 4 stars; one submission).

Allele frequency attached by ClinVar (database versions not stated): TOPMed 0.00003; gnomAD 0.00007; gnomAD exomes 0.00017; ExAC 0.00022.
gnomAD v4.1: 266 of 1,613,730 alleles (0.016%); highest among the groups gnomAD compares: South Asian, 0.14%; 1 homozygote.

Submission:

CeGaT Center for Human Genetics Tuebingen
Classification: Likely benign. Last evaluated: 2022-09-01. Review status: criteria provided, single submitter. Criteria: CeGaT Center For Human Genetics Tuebingen Variant Classification Criteria Version 2. Collection method: clinical testing. Allele origin: germline. Affected: yes. Observed: 1 variant allele.
Comment: FMN1: BP4

NM_001277313.2(FMN1):c.2044-1623G>T

Gene: FMN1 (formin 1; minus strand). Cytogenetic location: 15q13.3.
Variant type: single nucleotide variant.
Coding change: c.2044-1623G>T on transcript NM_001277313.2 (MANE Select); 1623 bases into the intron before coding-DNA position 2044, G replaced by T.
Molecular consequence: intron variant. On other transcripts: missense variant (1).
Genome position (GRCh38, 1-based): chr15:33,066,697, C>A on the plus strand (G>T on the coding strand, the complement: FMN1 is on the minus strand). VCF-style: chr15-33066697-C-A. GRCh37 (hg19) VCF-style: chr15-33358898-C-A.
Other names: c.1188G>T, p.Lys396Asn (NM_001103184.4); short protein forms K396N.
Identifiers: ClinVar variation 2645131 (VCV002645131.24), dbSNP rs766244531, ClinGen allele CA7457160.